The following is an entry in ClinVar:

NM_012330.4(KAT6B):c.2958del (p.Arg986fs)

Gene: KAT6B (lysine acetyltransferase 6B; plus strand). Cytogenetic location: 10q22.2.
Variant type: Deletion.
Coding change: c.2958del on transcript NM_012330.4 (MANE Select); coding-DNA position 2958, one base deleted (G; older notation c.2958delG).
Protein change: p.Arg986fs; shifts the reading frame from arginine 986.
Molecular consequence: frameshift variant.
Genome position (GRCh38, 1-based): chr10:75,021,222, G deleted; the last of 2 consecutive G bases (chr10:75,021,221-75,021,222); deleting either gives the same sequence. VCF-style (leftmost placement, unchanged base first): chr10-75021220-AG-A. GRCh37 (hg19) VCF-style: chr10-76780978-AG-A.
Other names: c.2409del, p.Arg803fs (NM_001256468.2, NM_001370138.1); c.2082del, p.Arg694fs (NM_001256469.2, NM_001370139.1, NM_001370140.1 and 2 more transcripts); c.1920del, p.Arg640fs (NM_001370132.1); c.1269del, p.Arg423fs (NM_001370133.1); c.873del, p.Arg291fs (NM_001370134.1); c.615del, p.Arg205fs (NM_001370135.1); c.2958del, p.Arg986fs (NM_001370136.1, NM_001370137.1); c.1893del, p.Arg631fs (NM_001370143.1, NM_001370144.1); short protein forms R205fs, R291fs, R423fs, R631fs, R640fs, R694fs, R803fs, R986fs.
Identifiers: ClinVar variation 3345340 (VCV003345340.1).

ClinVar aggregate classification (germline): Likely pathogenic (0 of 4 stars; one submission).

Conditions:
KAT6B-related disorder. Also called: KAT6B-related disorders; KAT6B-related condition.

Submission:

PreventionGenetics, part of Exact Sciences
Classification: Likely pathogenic for KAT6B-related condition. Last evaluated: 2024-08-31. Review status: no assertion criteria provided. Collection method: clinical testing. Allele origin: germline.
Comment: The KAT6B c.2958delG variant is predicted to result in a frameshift and premature protein termination (p.Arg986Serfs*6). To our knowledge, this variant has not been reported in the literature or in a large population database, indicating this variant is rare. Frameshift variants in KAT6B are expected to be pathogenic. This variant is interpreted as likely pathogenic.